The following is an entry in ClinVar:

ClinVar aggregate classification (germline): Uncertain significance (1 of 4 stars; one submission).

Conditions:
Progressive familial heart block type IB (PFHB1B). Identifiers: Orphanet 871, MedGen C1970298, MONDO:0011474, OMIM 604559.

Submission:

Labcorp Genetics (formerly Invitae), Labcorp
Classification: Uncertain significance for Progressive familial heart block type IB. Last evaluated: 2025-04-17. Review status: criteria provided, single submitter. Criteria: Invitae Variant Classification Sherloc (09022015). Collection method: clinical testing. Allele origin: germline.
Comment: This sequence change replaces glycine, which is neutral and non-polar, with aspartic acid, which is acidic and polar, at codon 945 of the TRPM4 protein (p.Gly945Asp). This variant is not present in population databases (gnomAD no frequency). This variant has not been reported in the literature in individuals affected with TRPM4-related conditions. An algorithm developed to predict the effect of missense changes on protein structure and function (PolyPhen-2) suggests that this variant is likely to be disruptive. In summary, the available evidence is currently insufficient to determine the role of this variant in disease. Therefore, it has been classified as a Variant of Uncertain Significance.

NM_017636.4(TRPM4):c.2834G>A (p.Gly945Asp)

Gene: TRPM4 (transient receptor potential cation channel subfamily M member 4; plus strand). Cytogenetic location: 19q13.33.
Variant type: single nucleotide variant.
Coding change: c.2834G>A on transcript NM_017636.4 (MANE Select); coding-DNA position 2834, G replaced by A.
Protein change: p.Gly945Asp; replaces glycine 945 with aspartic acid.
Molecular consequence: missense variant.
Genome position (GRCh38, 1-based): chr19:49,200,666, G>A. VCF-style: chr19-49200666-G-A. GRCh37 (hg19) VCF-style: chr19-49703923-G-A.
Other names: c.2399G>A, p.Gly800Asp (NM_001195227.2); c.2489G>A, p.Gly830Asp (NM_001321281.2); c.1226G>A, p.Gly409Asp (NM_001321282.2); c.2312G>A, p.Gly771Asp (NM_001321283.2); c.1772G>A, p.Gly591Asp (NM_001321285.2); short protein forms G409D, G771D, G591D, G800D, G830D, G945D.
Identifiers: ClinVar variation 4717607 (VCV004717607.1).
Genomic context (GRCh38, chr19:49,200,666, plus strand): 5'-CACAGATGAAGGACGTGTTCTTCTTCCTCTTCTTCCTCGGCGTGTGGCTGGTAGCCTATG[G>A]CGTGGCCACGGAGGGGCTCCTGAGGCCACGGGACAGTGACTTCCCAAGTATCCTGCGCCG-3'
Protein context (NP_060106.2, residues 935-955): FFLGVWLVAY[Gly945Asp]VATEGLLRPR